The following is an entry in ClinVar:

NM_003002.4(SDHD):c.82C>A (p.Pro28Thr)

Gene: SDHD (succinate dehydrogenase complex subunit D; plus strand). Cytogenetic location: 11q23.1.
Variant type: single nucleotide variant.
Coding change: c.82C>A on transcript NM_003002.4 (MANE Select); coding-DNA position 82, C replaced by A.
Protein change: p.Pro28Thr; replaces proline 28 with threonine.
Molecular consequence: missense variant. On other transcripts: non-coding transcript variant (1), intron variant (1).
Genome position (GRCh38, 1-based): chr11:112,087,886, C>A. VCF-style: chr11-112087886-C-A. GRCh37 (hg19) VCF-style: chr11-111958610-C-A.
Other names: c.82C>A, p.Pro28Thr (NM_001276503.2, NM_001276506.2); c.52+927C>A (NM_001276504.2); short protein forms P28T.
Identifiers: ClinVar variation 465247 (VCV000465247.14), dbSNP rs541477171, ClinGen allele CA382616956.

ClinVar aggregate classification (germline): Uncertain significance. Review status: criteria provided, multiple submitters, no conflicts (2 of 4 stars). 4 submissions from 4 submitters: Uncertain significance (4). Last evaluated 2024-06-17.

Conditions:
Hereditary cancer-predisposing syndrome. Also called: Neoplastic Syndromes, Hereditary; Hereditary neoplastic syndrome; Tumor predisposition; Hereditary Cancer Syndrome. Identifiers: Orphanet 140162, MedGen C0027672, MeSH D009386, MONDO:0015356.
Mitochondrial complex 2 deficiency, nuclear type 3. Also called: MITOCHONDRIAL COMPLEX II DEFICIENCY, NUCLEAR TYPE 3. Identifiers: MedGen C5436934, MONDO:0030937, OMIM 619167.
Paragangliomas with sensorineural hearing loss. Identifiers: MedGen C1868633.
Pheochromocytoma. Also called: MAX-Related Hereditary Paraganglioma-Pheochromocytoma Syndrome. Identifiers: Orphanet 29072, MedGen C0031511, MONDO:0008233, OMIM 171300, HP:0002666.
Cowden syndrome 3 (CWS3). Identifiers: Orphanet 201, MedGen CN166604, MONDO:0014045.
Carney-Stratakis syndrome. Also called: PARAGANGLIOMA AND GASTROINTESTINAL STROMAL TUMOR. Identifiers: Orphanet 97286, MedGen C1847319, MONDO:0011740, OMIM 606864.
Hereditary pheochromocytoma and paraganglioma. Also called: Hereditary Paraganglioma-Pheochromocytoma Syndromes; Hereditary paragangliomas and pheochromocytomas; Hereditary pheochromocytoma-paraganglioma. Identifiers: Orphanet 29072, MedGen C4274332, MONDO:0017366.

Allele frequency attached by ClinVar (database versions not stated): TOPMed below 0.00001; gnomAD 0.00001.
gnomAD v4.1: 2 of 1,613,608 alleles (0.00012%); highest among the groups gnomAD compares: Non-Finnish European, 0.00017%; no homozygotes.

Submissions (4):

Labcorp Genetics (formerly Invitae), Labcorp
Classification: Uncertain significance for Carney-Stratakis syndrome; Paragangliomas with sensorineural hearing loss; Pheochromocytoma; Cowden syndrome 3. Last evaluated: 2024-06-17. Review status: criteria provided, single submitter. Criteria: Invitae Variant Classification Sherloc (09022015). Collection method: clinical testing. Allele origin: germline.
Comment: This sequence change replaces proline, which is neutral and non-polar, with threonine, which is neutral and polar, at codon 28 of the SDHD protein (p.Pro28Thr). This variant is not present in population databases (gnomAD no frequency). This variant has not been reported in the literature in individuals affected with SDHD-related conditions. ClinVar contains an entry for this variant (Variation ID: 465247). Advanced modeling of protein sequence and biophysical properties (such as structural, functional, and spatial information, amino acid conservation, physicochemical variation, residue mobility, and thermodynamic stability) has been performed at Invitae for this missense variant, however the output from this modeling did not meet the statistical confidence thresholds required to predict the impact of this variant on SDHD protein function. In summary, the available evidence is currently insufficient to determine the role of this variant in disease. Therefore, it has been classified as a Variant of Uncertain Significance.

Ambry Genetics
Classification: Uncertain significance for Hereditary cancer-predisposing syndrome. Last evaluated: 2024-03-04. Review status: criteria provided, single submitter. Criteria: Ambry Variant Classification Scheme 2023. Collection method: clinical testing. Allele origin: germline.
Comment: The p.P28T variant (also known as c.82C>A), located in coding exon 2 of the SDHD gene, results from a C to A substitution at nucleotide position 82. The proline at codon 28 is replaced by threonine, an amino acid with highly similar properties. This amino acid position is highly conserved in available vertebrate species. In addition, this alteration is predicted to be deleterious by in silico analysis. Since supporting evidence is limited at this time, the clinical significance of this alteration remains unclear.

Baylor Genetics
Classification: Uncertain significance for Mitochondrial complex 2 deficiency, nuclear type 3. Last evaluated: 2024-01-01. Review status: criteria provided, single submitter. Criteria: ACMG Guidelines, 2015. Collection method: clinical testing. Allele origin: unknown.

All of Us Research Program, National Institutes of Health
Classification: Uncertain significance for Hereditary pheochromocytoma and paraganglioma. Last evaluated: 2023-09-17. Review status: criteria provided, single submitter. Criteria: ACMG Guidelines, 2015. Collection method: clinical testing. Allele origin: germline. Inheritance: Autosomal dominant inheritance. Observed: 2 variant alleles, 2 heterozygotes.
Comment: This missense variant replaces proline with threonine at codon 28 of the SDHD protein. Computational prediction suggests that this variant may have deleterious impact on protein structure and function (internally defined REVEL score threshold >= 0.7, PMID: 27666373). To our knowledge, functional studies have not been reported for this variant. This variant has not been reported in individuals affected with SDHD-related disorders in the literature. This variant has not been identified in the general population by the Genome Aggregation Database (gnomAD). The available evidence is insufficient to determine the role of this variant in disease conclusively. Therefore, this variant is classified as a Variant of Uncertain Significance.

This study involves interpretation of variants in research participants for the purpose of population health screening. Participant phenotype was not available at the time of variant classification. Additional details can be found in publication PMID: 35346344, PMCID: PMC8962531